The following is an entry in ClinVar:

ClinVar aggregate classification (germline): Uncertain significance (1 of 4 stars; one submission).

Submission:

Labcorp Genetics (formerly Invitae), Labcorp
Classification: Uncertain significance. Last evaluated: 2025-03-01. Review status: criteria provided, single submitter. Criteria: Invitae Variant Classification Sherloc (09022015). Collection method: clinical testing. Allele origin: germline.
Comment: This sequence change replaces aspartic acid, which is acidic and polar, with valine, which is neutral and non-polar, at codon 11 of the PPP2CA protein (p.Asp11Val). This variant is present in population databases (no rsID available, gnomAD 0.0009%). This variant has not been reported in the literature in individuals affected with PPP2CA-related conditions. An algorithm developed to predict the effect of missense changes on protein structure and function (PolyPhen-2) suggests that this variant is likely to be tolerated. In summary, the available evidence is currently insufficient to determine the role of this variant in disease. Therefore, it has been classified as a Variant of Uncertain Significance.

NM_002715.4(PPP2CA):c.32A>T (p.Asp11Val)

Genes: MIR3661 (microRNA 3661; plus strand), PPP2CA (protein phosphatase 2 catalytic subunit alpha; minus strand). Cytogenetic location: 5q31.1.
Variant type: single nucleotide variant.
Coding change: c.32A>T on transcript NM_002715.4 (MANE Select); coding-DNA position 32, A replaced by T.
Protein change: p.Asp11Val; replaces aspartic acid 11 with valine.
Molecular consequence: missense variant. On other transcripts: non-coding transcript variant (1).
Genome position (GRCh38, 1-based): chr5:134,225,830, T>A on the plus strand (A>T on the coding strand, the complement: PPP2CA is on the minus strand). VCF-style: chr5-134225830-T-A. GRCh37 (hg19) VCF-style: chr5-133561521-T-A.
Other names: short protein forms D11V.
Identifiers: ClinVar variation 4742140 (VCV004742140.1).
Genomic context (GRCh38, chr5:134,225,830, plus strand): 5'-AGGCTCTTGACCTGGGACTCGGACAGCTGCTTGCACTCGTTCAGCTGCTCGATCCACTGG[T>A]CCAGCTCCTTGGTGAACACCTTCTCGTCCATGATGCCACCCGCCCCAGCCGGCTGCCGCT-3'
Protein context (NP_002706.1, residues 1-21): MDEKVFTKEL[Asp11Val]QWIEQLNECK